The following is an entry in ClinVar:

NM_001009944.3(PKD1):c.4766C>T (p.Thr1589Met)

Gene: PKD1 (polycystin 1, transient receptor potential channel interacting; minus strand). Cytogenetic location: 16p13.3.
Variant type: single nucleotide variant.
Coding change: c.4766C>T on transcript NM_001009944.3 (MANE Select); coding-DNA position 4766, C replaced by T.
Protein change: p.Thr1589Met; replaces threonine 1589 with methionine.
Molecular consequence: missense variant.
Genome position (GRCh38, 1-based): chr16:2,110,401, G>A on the plus strand (C>T on the coding strand, the complement: PKD1 is on the minus strand). VCF-style: chr16-2110401-G-A. GRCh37 (hg19) VCF-style: chr16-2160402-G-A.
Other names: c.4766C>T, p.Thr1589Met (NM_000296.4); short protein forms T1589M.
Identifiers: ClinVar variation 3579490 (VCV003579490.3).
Genomic context (GRCh38, chr16:2,110,401, plus strand): 5'-ATATTGAAGGTGCCCACGGAGCGGAAGGTGTAAGAGATGGTAGGACCCCCAGGGATGGGC[G>A]TGCAGCGGTCACAGAGCACCCAGGAATAGCGCACATCACTGCCGGCCTCCAGCGACGTGC-3'
Protein context (NP_001009944.3, residues 1579-1599): RYSWVLCDRC[Thr1589Met]PIPGGPTISY

ClinVar aggregate classification (germline): Uncertain significance. Review status: criteria provided, multiple submitters, no conflicts (2 of 4 stars). 2 submissions from 2 submitters: Uncertain significance (2). Last evaluated 2025-04-08.

Conditions:
Polycystic kidney disease, adult type (PKD1). Also called: Polycystic Kidney Disease 1, Autosomal Dominant; Polycystic kidney disease 1; Polycystic kidney disease 1, severe; POLYCYSTIC KIDNEY DISEASE 1 WITH OR WITHOUT POLYCYSTIC LIVER DISEASE; POLYCYSTIC KIDNEY DISEASE, ADULT, TYPE I; Polycystic Kidney, Autosomal Dominant. Identifiers: MedGen C3149841, MONDO:0008263, OMIM 173900.

gnomAD v4.1: 10 of 1,612,608 alleles (0.00062%); highest among the groups gnomAD compares: South Asian, 0.0011%; no homozygotes.

Submissions (2):

Women's Health and Genetics/Laboratory Corporation of America, LabCorp
Classification: Uncertain significance. Last evaluated: 2025-04-08. Review status: criteria provided, single submitter. Criteria: LabCorp Variant Classification Summary - May 2015. Collection method: clinical testing. Allele origin: germline.
Comment: Variant summary: PKD1 c.4766C>T (p.Thr1589Met) results in a non-conservative amino acid change in the encoded protein sequence. Four of five in-silico tools predict a damaging effect of the variant on protein function. The variant allele was found at a frequency of 8e-06 in 249350 control chromosomes. The available data on variant occurrences in the general population are insufficient to allow any conclusion about variant significance. To our knowledge, no occurrence of c.4766C>T in individuals affected with PKD1-Biallelic Autosomal Recessive Polycystic Kidney Disease and no experimental evidence demonstrating its impact on protein function have been reported. ClinVar contains an entry for this variant (Variation ID: 3579490). Based on the evidence outlined above, the variant was classified as uncertain significance.

Fulgent Genetics
Classification: Uncertain significance for Polycystic kidney disease, adult type. Last evaluated: 2024-04-12. Review status: criteria provided, single submitter. Criteria: ACMG Guidelines, 2015. Collection method: clinical testing. Allele origin: germline.